The following is an entry in ClinVar:

ClinVar aggregate classification (germline): Uncertain significance (1 of 4 stars; one submission).

Conditions:
Hereditary cancer-predisposing syndrome. Also called: Neoplastic Syndromes, Hereditary; Tumor predisposition; Hereditary Cancer Syndrome; Hereditary neoplastic syndrome. Identifiers: Orphanet 140162, MedGen C0027672, MeSH D009386, MONDO:0015356.

Submission:

Ambry Genetics
Classification: Uncertain significance for Hereditary cancer-predisposing syndrome. Last evaluated: 2024-01-29. Review status: criteria provided, single submitter. Criteria: Ambry Variant Classification Scheme 2023. Collection method: clinical testing. Allele origin: germline.
Comment: The p.D239E variant (also known as c.717T>G), located in coding exon 2 of the BLM gene, results from a T to G substitution at nucleotide position 717. The aspartic acid at codon 239 is replaced by glutamic acid, an amino acid with highly similar properties. This amino acid position is well conserved in available vertebrate species. In addition, this alteration is predicted to be tolerated by in silico analysis. Since supporting evidence is limited at this time, the clinical significance of this alteration remains unclear.

NM_000057.4(BLM):c.717T>G (p.Asp239Glu)

Gene: BLM (BLM RecQ like helicase; plus strand). Cytogenetic location: 15q26.1.
Variant type: single nucleotide variant.
Coding change: c.717T>G on transcript NM_000057.4 (MANE Select); coding-DNA position 717, T replaced by G.
Protein change: p.Asp239Glu; replaces aspartic acid 239 with glutamic acid.
Molecular consequence: missense variant. On other transcripts: 5 prime UTR variant (1).
Genome position (GRCh38, 1-based): chr15:90,749,985, T>G. VCF-style: chr15-90749985-T-G. GRCh37 (hg19) VCF-style: chr15-91293215-T-G.
Other names: c.717T>G, p.Asp239Glu (NM_001287246.2, NM_001287247.2); c.-575T>G (NM_001287248.2); short protein forms D239E.
Identifiers: ClinVar variation 1757537 (VCV001757537.2), dbSNP rs2505394569, ClinGen allele CA393841409.